The following is an entry in ClinVar:

NM_000222.3(KIT):c.274A>T (p.Thr92Ser)

Gene: KIT (KIT proto-oncogene, receptor tyrosine kinase; plus strand). Cytogenetic location: 4q12.
Variant type: single nucleotide variant.
Coding change: c.274A>T on transcript NM_000222.3 (MANE Select); coding-DNA position 274, A replaced by T.
Protein change: p.Thr92Ser; replaces threonine 92 with serine.
Molecular consequence: missense variant.
Genome position (GRCh38, 1-based): chr4:54,695,718, A>T. VCF-style: chr4-54695718-A-T. GRCh37 (hg19) VCF-style: chr4-55561884-A-T.
Other names: c.274A>T, p.Thr92Ser (NM_001093772.2, NM_001385284.1, NM_001385285.1 and 4 more transcripts); short protein forms T92S.
Identifiers: ClinVar variation 952165 (VCV000952165.11), dbSNP rs1560393612, ClinGen allele CA356897223.

ClinVar aggregate classification (germline): Uncertain significance. Review status: criteria provided, multiple submitters, no conflicts (2 of 4 stars). 2 submissions from 2 submitters: Uncertain significance (2). Last evaluated 2023-11-10.

Conditions:
Gastrointestinal stromal tumor. Also called: Gastrointestinal stromal tumor, somatic; Gastrointestinal stroma tumor. Identifiers: Orphanet 44890, MedGen C0238198, MeSH D046152, MONDO:0011719, OMIM 606764, HP:0100723.
Hereditary cancer-predisposing syndrome. Also called: Hereditary neoplastic syndrome; Neoplastic Syndromes, Hereditary; Hereditary Cancer Syndrome; Tumor predisposition. Identifiers: Orphanet 140162, MedGen C0027672, MeSH D009386, MONDO:0015356.

Submissions (2):

Ambry Genetics
Classification: Uncertain significance for Hereditary cancer-predisposing syndrome. Last evaluated: 2023-11-10. Review status: criteria provided, single submitter. Criteria: Ambry Variant Classification Scheme 2023. Collection method: clinical testing. Allele origin: germline.
Comment: The p.T92S variant (also known as c.274A>T), located in coding exon 2 of the KIT gene, results from an A to T substitution at nucleotide position 274. The threonine at codon 92 is replaced by serine, an amino acid with similar properties. This amino acid position is conserved. In addition, this alteration is predicted to be tolerated by in silico analysis. Since supporting evidence is limited at this time, the clinical significance of this alteration remains unclear.

Labcorp Genetics (formerly Invitae), Labcorp
Classification: Uncertain significance for Gastrointestinal stromal tumor. Last evaluated: 2019-05-22. Review status: criteria provided, single submitter. Criteria: Invitae Variant Classification Sherloc (09022015). Collection method: clinical testing. Allele origin: germline.
Comment: In summary, the available evidence is currently insufficient to determine the role of this variant in disease. Therefore, it has been classified as a Variant of Uncertain Significance. Algorithms developed to predict the effect of missense changes on protein structure and function are either unavailable or do not agree on the potential impact of this missense change (SIFT: "Tolerated"; PolyPhen-2: "Probably Damaging"; Align-GVGD: "Class C0"). This variant has not been reported in the literature in individuals with KIT-related conditions. This variant is not present in population databases (ExAC no frequency). This sequence change replaces threonine with serine at codon 92 of the KIT protein (p.Thr92Ser). The threonine residue is moderately conserved and there is a small physicochemical difference between threonine and serine.